The following is an entry in ClinVar:

ClinVar aggregate classification (germline): Benign/Likely benign. Review status: criteria provided, multiple submitters, no conflicts (2 of 4 stars). 4 submissions from 4 submitters: Benign (2); Likely benign (2). Last evaluated 2025-12-01.

Conditions:
Intellectual developmental disorder, autosomal recessive 1. Also called: Intellectual disability, autosomal recessive 1; MENTAL RETARDATION, AUTOSOMAL RECESSIVE 1. Identifiers: Orphanet 88616, MedGen C1855304, MONDO:0009580, OMIM 249500.

Allele frequency attached by ClinVar (database versions not stated): gnomAD exomes 0.00065 and 0.00123; 1000 Genomes Project 30x 0.00141; ESP Exome Variant Server 0.00015; gnomAD 0.00121 and 0.00116; ExAC 0.00125; 1000 Genomes Project 0.00160; TOPMed 0.00029.
gnomAD v4.1: 1,146 of 1,613,874 alleles (0.071%); highest among the groups gnomAD compares: East Asian, 0.22%; 8 homozygotes.

Submissions (4):

CeGaT Center for Human Genetics Tuebingen
Classification: Likely benign. Last evaluated: 2025-12-01. Review status: criteria provided, single submitter. Criteria: CeGaT Center For Human Genetics Tuebingen Variant Classification Criteria Version 2. Collection method: clinical testing. Allele origin: germline. Affected: yes. Observed: 2 variant alleles.
Comment: PRSS12: BP4, BP7

Blueprint Genetics
Classification: Likely benign. Last evaluated: 2024-11-25. Review status: criteria provided, single submitter. Criteria: ACMG Guidelines, 2015. Collection method: clinical testing. Allele origin: germline.

Labcorp Genetics (formerly Invitae), Labcorp
Classification: Benign. Last evaluated: 2018-06-23. Review status: criteria provided, single submitter. Criteria: Invitae Variant Classification Sherloc (09022015). Collection method: clinical testing. Allele origin: germline.

Illumina Laboratory Services, Illumina
Classification: Benign for Intellectual developmental disorder, autosomal recessive 1. Last evaluated: 2017-04-27. Review status: criteria provided, single submitter. Criteria: ICSL Variant Classification Criteria 13 December 2019. Collection method: clinical testing. Allele origin: germline.
Comment: This variant was observed as part of a predisposition screen in an ostensibly healthy population. A literature search was performed for the gene, cDNA change, and amino acid change (where applicable). No publications were found based on this search. Allele frequency data from public databases was too high to be consistent with this variant causing disease. Therefore, this variant is classified as benign.

NM_003619.4(PRSS12):c.645A>G (p.Gly215=)

Gene: PRSS12 (serine protease 12; minus strand). Cytogenetic location: 4q26.
Variant type: single nucleotide variant.
Coding change: c.645A>G on transcript NM_003619.4 (MANE Select); coding-DNA position 645, A replaced by G.
Protein change: p.Gly215=; no amino-acid change (glycine 215 retained).
Molecular consequence: synonymous variant.
Genome position (GRCh38, 1-based): chr4:118,335,648, T>C on the plus strand (A>G on the coding strand, the complement: PRSS12 is on the minus strand). VCF-style: chr4-118335648-T-C. GRCh37 (hg19) VCF-style: chr4-119256803-T-C.
Identifiers: ClinVar variation 720348 (VCV000720348.32), dbSNP rs140470579, ClinGen allele CA3055863.